The following is an entry in ClinVar:

ClinVar aggregate classification (germline): Uncertain significance (1 of 4 stars; one submission).

Conditions:
Primary ciliary dyskinesia 7. Also called: CILIARY DYSKINESIA, PRIMARY, 7, WITH OR WITHOUT SITUS INVERSUS. Identifiers: Orphanet 244, MedGen C2678473, MONDO:0012748, OMIM 611884.

Submission:

Diagnostics Services (NGS), CSIR - Centre For Cellular And Molecular Biology
Classification: Uncertain significance for Primary ciliary dyskinesia 7. Last evaluated: 2025-08-12. Review status: criteria provided, single submitter. Criteria: ACMG Guidelines, 2015. Collection method: clinical testing. Allele origin: germline. Affected: yes. Observed: 1 variant allele, 1 homozygote.
Comment: The c.8789T>C variant is not present in publicly available population databases like 1000 Genomes, EVS, gnomAD, Indian Exome Database or our internal database. This variant has neither been published in the literature for DNAH11-related conditions nor reported to clinical databases like Human Genome Mutation Database (HGMD), ClinVar or OMIM in any affected individuals. In-silico pathogenicity prediction programs like SIFT, Polyphen-2, MutationTaster2021, CADD, etc. predicted this variant to be likely deleterious however these predictions were not confirmed by published functional studies.

NM_001277115.2(DNAH11):c.8789T>C (p.Leu2930Pro)

Gene: DNAH11 (dynein axonemal heavy chain 11; plus strand). Cytogenetic location: 7p15.3.
Variant type: single nucleotide variant.
Coding change: c.8789T>C on transcript NM_001277115.2 (MANE Select); coding-DNA position 8789, T replaced by C.
Protein change: p.Leu2930Pro; replaces leucine 2930 with proline.
Molecular consequence: missense variant.
Genome position (GRCh38, 1-based): chr7:21,749,793, T>C. VCF-style: chr7-21749793-T-C. GRCh37 (hg19) VCF-style: chr7-21789411-T-C.
Other names: short protein forms L2930P.
Identifiers: ClinVar variation 4279618 (VCV004279618.1).